The following is an entry in ClinVar:

NM_018344.6(SLC29A3):c.777C>A (p.Tyr259Ter)

Gene: SLC29A3 (solute carrier family 29 member 3; plus strand). Cytogenetic location: 10q22.1.
Variant type: single nucleotide variant.
Coding change: c.777C>A on transcript NM_018344.6 (MANE Select); coding-DNA position 777, C replaced by A.
Protein change: p.Tyr259Ter; replaces tyrosine 259 with a stop codon.
Molecular consequence: nonsense. On other transcripts: 3 prime UTR variant (1), non-coding transcript variant (2).
Genome position (GRCh38, 1-based): chr10:71,361,957, C>A. VCF-style: chr10-71361957-C-A. GRCh37 (hg19) VCF-style: chr10-73121714-C-A.
Other names: c.*6C>A (NM_001174098.2); c.543C>A, p.Tyr181Ter (NM_001363518.2); short protein forms Y181*, Y259*.
Identifiers: ClinVar variation 2788367 (VCV002788367.3), dbSNP rs1015206890, ClinGen allele CA209387686.
Genomic context (GRCh38, chr10:71,361,957, plus strand): 5'-GTGCTGACTCAGATCCCAAGCAACCTGCTTGATGGTGGCCCTGTCTCCTCCCTGCAGGTA[C>A]TACATGAGGCCTGTTCTTGCGGCCCATGTGTTTTCTGGTGAAGAGGAGCTTCCCCAGGAC-3'

ClinVar aggregate classification (germline): Pathogenic (1 of 4 stars; one submission).

Conditions:
H syndrome. Also called: Asrar Facharzt Haque syndrome; HISTIOCYTOSIS AND LYMPHADENOPATHY WITH OR WITHOUT CUTANEOUS, CARDIAC, AND/OR ENDOCRINE FEATURES, JOINT CONTRACTURES, AND/OR DEAFNESS; HYPERPIGMENTATION, CUTANEOUS, WITH HYPERTRICHOSIS, HEPATOSPLENOMEGALY, HEART ANOMALIES, AND HYPOGONADISM WITH OR WITHOUT HEARING LOSS; PIGMENTED HYPERTRICHOSIS WITH INSULIN-DEPENDENT DIABETES MELLITUS; ROSAI-DORFMAN DISEASE, FAMILIAL; SINUS HISTIOCYTOSIS AND MASSIVE LYMPHADENOPATHY. Identifiers: Orphanet 168569, MedGen C1864445, MONDO:0011273, OMIM 602782.

Allele frequency attached by ClinVar (database versions not stated): gnomAD exomes below 0.00001.
gnomAD v4.1: 1 of 1,614,094 alleles (0.000062%); highest among the groups gnomAD compares: Non-Finnish European, 0.000085%; no homozygotes.

Submission:

Labcorp Genetics (formerly Invitae), Labcorp
Classification: Pathogenic for H syndrome. Last evaluated: 2024-01-04. Review status: criteria provided, single submitter. Criteria: Invitae Variant Classification Sherloc (09022015). Collection method: clinical testing. Allele origin: germline.
Comment: This sequence change creates a premature translational stop signal (p.Tyr259*) in the SLC29A3 gene. While this is not anticipated to result in nonsense mediated decay, it is expected to disrupt the last 217 amino acid(s) of the SLC29A3 protein. This variant is not present in population databases (gnomAD no frequency). This variant has not been reported in the literature in individuals affected with SLC29A3-related conditions. This variant disrupts a region of the SLC29A3 protein in which other variant(s) (p.Gly437Arg) have been determined to be pathogenic (PMID: 18940313, 20595384, 20619369, 29041934). This suggests that this is a clinically significant region of the protein, and that variants that disrupt it are likely to be disease-causing. For these reasons, this variant has been classified as Pathogenic.

Literature cited by the submitters: PubMed 18940313; PubMed 20595384; PubMed 20619369; PubMed 29041934.